The following is an entry in ClinVar:

NM_019109.5(ALG1):c.121G>A (p.Gly41Ser)

Genes: ALG1 (ALG1 chitobiosyldiphosphodolichol beta-mannosyltransferase; plus strand), LOC130058384 (ATAC-STARR-seq lymphoblastoid active region 10349; plus strand). Cytogenetic location: 16p13.3.
Variant type: single nucleotide variant.
Coding change: c.121G>A on transcript NM_019109.5 (MANE Select); coding-DNA position 121, G replaced by A.
Protein change: p.Gly41Ser; replaces glycine 41 with serine.
Molecular consequence: missense variant.
Genome position (GRCh38, 1-based): chr16:5,071,970, G>A. VCF-style: chr16-5071970-G-A. GRCh37 (hg19) VCF-style: chr16-5121971-G-A.
Other names: short protein forms G41S.
Identifiers: ClinVar variation 1028632 (VCV001028632.2), dbSNP rs1393282696, ClinGen allele CA394678600.

ClinVar aggregate classification (germline): Uncertain significance. Review status: criteria provided, multiple submitters, no conflicts (2 of 4 stars). 2 submissions from 2 submitters: Uncertain significance (2). Last evaluated 2024-04-16.

Conditions:
ALG1-congenital disorder of glycosylation. Also called: CONGENITAL DISORDER OF GLYCOSYLATION, TYPE Ik; ALG1-CDG; CDG Ik. Identifiers: Orphanet 79327, MedGen C2931005, MONDO:0012052, OMIM 608540.

Allele frequency attached by ClinVar (database versions not stated): gnomAD exomes below 0.00001; TOPMed 0.00002; gnomAD 0.00003 and 0.00004.

Submissions (2):

Fulgent Genetics
Classification: Uncertain significance for ALG1-congenital disorder of glycosylation. Last evaluated: 2024-04-16. Review status: criteria provided, single submitter. Criteria: ACMG Guidelines, 2015. Collection method: clinical testing. Allele origin: germline.

Baylor Genetics
Classification: Uncertain significance for ALG1-congenital disorder of glycosylation. Last evaluated: 2019-05-17. Review status: criteria provided, single submitter. Criteria: ACMG Guidelines, 2015. Collection method: clinical testing. Allele origin: unknown. Affected: yes.
Comment: This variant was determined to be of uncertain significance according to ACMG Guidelines, 2015 [PMID:25741868].